The following is an entry in ClinVar:

ClinVar aggregate classification (germline): Pathogenic (1 of 4 stars; one submission).

Conditions:
Retinoblastoma (RB1). Also called: RETINOBLASTOMA, SOMATIC. Identifiers: Orphanet 790, MedGen C0035335, MeSH D012175, MONDO:0008380, OMIM 180200, HP:0009919. Disease mechanism: loss of function. Inheritance: Both sporadic and heritable forms are tested..

Submission:

St. Jude Molecular Pathology, St. Jude Children's Research Hospital
Classification: Pathogenic for Retinoblastoma. Last evaluated: 2026-02-20. Review status: criteria provided, single submitter. Criteria: St. Jude Assertion Criteria 2020. Collection method: clinical testing. Allele origin: germline.
Comment: The RB1 c.1333-2del intronic change results in a deletion of one nucleotide at the -2 position of intron 13 of the RB1 gene. This varian t is predicted to result in loss of the native splice acceptor site and abnormal gene splicing, resulting in nonsense-mediated decay or an abnormal protein product. This variant is also absent in gnomAD v2.1.1. In summary, this variant meets criteria to be classified as pathogenic.

NM_000321.3(RB1):c.1333-2del

Gene: RB1 (RB transcriptional corepressor 1; plus strand). Cytogenetic location: 13q14.2.
Variant type: Deletion.
Coding change: c.1333-2del on transcript NM_000321.3 (MANE Select); the canonical splice acceptor site of the intron before coding-DNA position 1333, one base deleted (A; older notation c.1333-2delA).
Molecular consequence: splice acceptor variant.
Genome position (GRCh38, 1-based): chr13:48,379,592, A deleted. VCF-style (leftmost placement, unchanged base first): chr13-48379591-TA-T. GRCh37 (hg19) VCF-style: chr13-48953727-TA-T.
Other names: c.1333-2del (NM_001407165.1, NM_001407166.1).
Identifiers: ClinVar variation 4813183 (VCV004813183.1).